The following is an entry in ClinVar:

NM_000288.4(PEX7):c.587C>T (p.Ala196Val)

Gene: PEX7 (peroxisomal biogenesis factor 7; plus strand). Cytogenetic location: 6q23.3.
Variant type: single nucleotide variant.
Coding change: c.587C>T on transcript NM_000288.4 (MANE Select); coding-DNA position 587, C replaced by T.
Protein change: p.Ala196Val; replaces alanine 196 with valine.
Molecular consequence: missense variant.
Genome position (GRCh38, 1-based): chr6:136,866,687, C>T. VCF-style: chr6-136866687-C-T. GRCh37 (hg19) VCF-style: chr6-137187825-C-T.
Other names: short protein forms A196V.
Identifiers: ClinVar variation 1415243 (VCV001415243.6), dbSNP rs2115216804, ClinGen allele CA365763015.

ClinVar aggregate classification (germline): Uncertain significance (1 of 4 stars; one submission).

Conditions:
Peroxisome biogenesis disorder 9B. Also called: PEX7-Related Refsum Disease; PEROXISOME BIOGENESIS DISORDER, PEX7-RELATED, ATYPICAL; Refsum disease, adult, 2. Identifiers: Orphanet 773, MedGen C2749346, MONDO:0013945, OMIM 614879.

Submission:

Labcorp Genetics (formerly Invitae), Labcorp
Classification: Uncertain significance for Peroxisome biogenesis disorder 9B. Last evaluated: 2021-10-27. Review status: criteria provided, single submitter. Criteria: Invitae Variant Classification Sherloc (09022015). Collection method: clinical testing. Allele origin: germline.
Comment: In summary, the available evidence is currently insufficient to determine the role of this variant in disease. Therefore, it has been classified as a Variant of Uncertain Significance. Algorithms developed to predict the effect of missense changes on protein structure and function (SIFT, PolyPhen-2, Align-GVGD) all suggest that this variant is likely to be tolerated. This variant has not been reported in the literature in individuals affected with PEX7-related conditions. This variant is not present in population databases (gnomAD no frequency). This sequence change replaces alanine, a(n) neutral and non-polar amino acid, with valine, a(n) neutral and non-polar amino acid, at codon 196 of the PEX7 protein (p.Ala196Val).